The following is an entry in ClinVar:

NM_001253697.2(ERBIN):c.2927A>G (p.Gln976Arg)

Gene: ERBIN (erbb2 interacting protein; plus strand). Cytogenetic location: 5q12.3.
Variant type: single nucleotide variant.
Coding change: c.2927A>G on transcript NM_001253697.2 (MANE Select); coding-DNA position 2927, A replaced by G.
Protein change: p.Gln976Arg; replaces glutamine 976 with arginine.
Molecular consequence: missense variant.
Genome position (GRCh38, 1-based): chr5:66,054,245, A>G. VCF-style: chr5-66054245-A-G. GRCh37 (hg19) VCF-style: chr5-65350073-A-G.
Other names: c.2927A>G, p.Gln976Arg (NM_001006600.3, NM_001253698.2, NM_001253699.2 and 1 more transcripts); c.2915A>G, p.Gln972Arg (NM_001253701.2); short protein forms Q976R, Q972R.
Identifiers: ClinVar variation 1361383 (VCV001361383.8), dbSNP rs1363625092, ClinGen allele CA359868234.
Genomic context (GRCh38, chr5:66,054,245, plus strand): 5'-ATATAATAAGAGGCCCCACAAGTGGCCCACAATCTGCACCTCAAATATATGGTCCTCCAC[A>G]GTATAATATCCAATACAGTAGCAGTGCTGCAGTCAAAGACACTTTGTGGCACTCCAAACA-3'
Protein context (NP_001240626.1, residues 966-986): QSAPQIYGPP[Gln976Arg]YNIQYSSSAA

ClinVar aggregate classification (germline): Uncertain significance (1 of 4 stars; one submission).

gnomAD v4.1: 1 of 1,614,154 alleles (0.000062%); highest among the groups gnomAD compares: Non-Finnish European, 0.000085%; no homozygotes.

Submission:

Labcorp Genetics (formerly Invitae), Labcorp
Classification: Uncertain significance. Last evaluated: 2024-02-17. Review status: criteria provided, single submitter. Criteria: Invitae Variant Classification Sherloc (09022015). Collection method: clinical testing. Allele origin: germline.
Comment: This sequence change replaces glutamine, which is neutral and polar, with arginine, which is basic and polar, at codon 976 of the ERBIN protein (p.Gln976Arg). This variant is not present in population databases (gnomAD no frequency). This variant has not been reported in the literature in individuals affected with ERBIN-related conditions. ClinVar contains an entry for this variant (Variation ID: 1361383). An algorithm developed to predict the effect of missense changes on protein structure and function (PolyPhen-2) suggests that this variant is likely to be disruptive. In summary, the available evidence is currently insufficient to determine the role of this variant in disease. Therefore, it has been classified as a Variant of Uncertain Significance.